The following is an entry in ClinVar:

NM_006996.3(SLC19A2):c.977C>A (p.Ser326Tyr)

Gene: SLC19A2 (solute carrier family 19 member 2; minus strand). Cytogenetic location: 1q24.2.
Variant type: single nucleotide variant.
Coding change: c.977C>A on transcript NM_006996.3 (MANE Select); coding-DNA position 977, C replaced by A.
Protein change: p.Ser326Tyr; replaces serine 326 with tyrosine.
Molecular consequence: missense variant.
Genome position (GRCh38, 1-based): chr1:169,470,017, G>T on the plus strand (C>A on the coding strand, the complement: SLC19A2 is on the minus strand). VCF-style: chr1-169470017-G-T. GRCh37 (hg19) VCF-style: chr1-169439255-G-T.
Other names: c.374C>A, p.Ser125Tyr (NM_001319667.1); short protein forms S125Y, S326Y.
Identifiers: ClinVar variation 3392800 (VCV003392800.1).

ClinVar aggregate classification (germline): Uncertain significance (1 of 4 stars; one submission).

gnomAD v4.1: 6 of 1,613,874 alleles (0.00037%); highest among the groups gnomAD compares: African/African-American, 0.0067%; no homozygotes.

Submission:

GeneDx
Classification: Uncertain significance. Last evaluated: 2024-06-26. Review status: criteria provided, single submitter. Criteria: GeneDx Variant Classification Process June 2021. Collection method: clinical testing. Allele origin: germline. Affected: yes.
Comment: Not observed at significant frequency in large population cohorts (gnomAD); In silico analysis supports that this missense variant has a deleterious effect on protein structure/function; Has not been previously published as pathogenic or benign to our knowledge